The following is an entry in ClinVar:

ClinVar aggregate classification (germline): Likely benign (0 of 4 stars; one submission).

Conditions:
OBSL1-related disorder. Also called: OBSL1-related condition.

Allele frequency attached by ClinVar (database versions not stated): gnomAD exomes 0.00001; TOPMed 0.00001; gnomAD 0.00003.
gnomAD v4.1: 22 of 1,556,916 alleles (0.0014%); highest among the groups gnomAD compares: Admixed American, 0.018%; no homozygotes.

Submission:

PreventionGenetics, part of Exact Sciences
Classification: Likely benign for OBSL1-related condition. Last evaluated: 2019-11-12. Review status: no assertion criteria provided. Collection method: clinical testing. Allele origin: germline.
Comment: This variant is classified as likely benign based on ACMG/AMP sequence variant interpretation guidelines (Richards et al. 2015 PMID: 25741868, with internal and published modifications).

NM_015311.3(OBSL1):c.2680+6G>A

Gene: OBSL1 (obscurin like cytoskeletal adaptor 1; minus strand). Cytogenetic location: 2q35.
Variant type: single nucleotide variant.
Coding change: c.2680+6G>A on transcript NM_015311.3 (MANE Select); 6 bases into the intron after coding-DNA position 2680, G replaced by A.
Molecular consequence: intron variant.
Genome position (GRCh38, 1-based): chr2:219,563,349, C>T on the plus strand (G>A on the coding strand, the complement: OBSL1 is on the minus strand). VCF-style: chr2-219563349-C-T. GRCh37 (hg19) VCF-style: chr2-220428071-C-T.
Other names: c.2680+6G>A (NM_001173431.2, NM_001173408.2).
Identifiers: ClinVar variation 3045134 (VCV003045134.2), dbSNP rs1292960029, ClinGen allele CA539643302.